The following is an entry in ClinVar:

ClinVar aggregate classification (germline): Uncertain significance. Review status: criteria provided, multiple submitters, no conflicts (2 of 4 stars). 2 submissions from 2 submitters: Uncertain significance (2). Last evaluated 2025-09-16.

Allele frequency attached by ClinVar (database versions not stated): gnomAD exomes below 0.00001 and 0.00001; ExAC 0.00001; gnomAD 0.00001; TOPMed 0.00003.
gnomAD v4.1: 8 of 1,611,960 alleles (0.0005%); highest among the groups gnomAD compares: Admixed American, 0.0017%; no homozygotes.

Submissions (2):

Labcorp Genetics (formerly Invitae), Labcorp
Classification: Uncertain significance. Last evaluated: 2025-09-16. Review status: criteria provided, single submitter. Criteria: Invitae Variant Classification Sherloc (09022015). Collection method: clinical testing. Allele origin: germline.
Comment: This sequence change replaces threonine, which is neutral and polar, with isoleucine, which is neutral and non-polar, at codon 1148 of the LRP5 protein (p.Thr1148Ile). This variant is present in population databases (rs771190332, gnomAD 0.002%). This missense change has been observed in individual(s) with clinical features of osteoporosis (PMID: 38043102). ClinVar contains an entry for this variant (Variation ID: 938013). Invitae Evidence Modeling of protein sequence and biophysical properties (such as structural, functional, and spatial information, amino acid conservation, physicochemical variation, residue mobility, and thermodynamic stability) indicates that this missense variant is not expected to disrupt LRP5 protein function with a negative predictive value of 95%. In summary, the available evidence is currently insufficient to determine the role of this variant in disease. Therefore, it has been classified as a Variant of Uncertain Significance.

GeneDx
Classification: Uncertain significance. Last evaluated: 2022-05-09. Review status: criteria provided, single submitter. Criteria: GeneDx Variant Classification Process June 2021. Collection method: clinical testing. Allele origin: germline. Affected: yes.
Comment: In silico analysis supports that this missense variant does not alter protein structure/function; Has not been previously published as pathogenic or benign to our knowledge

Literature cited by the submitters: PubMed 38043102 (cited by Labcorp Genetics (formerly Invitae), Labcorp).

NM_002335.4(LRP5):c.3443C>T (p.Thr1148Ile)

Gene: LRP5 (LDL receptor related protein 5; plus strand). Cytogenetic location: 11q13.2.
Variant type: single nucleotide variant.
Coding change: c.3443C>T on transcript NM_002335.4 (MANE Select); coding-DNA position 3443, C replaced by T.
Protein change: p.Thr1148Ile; replaces threonine 1148 with isoleucine.
Molecular consequence: missense variant.
Genome position (GRCh38, 1-based): chr11:68,425,993, C>T. VCF-style: chr11-68425993-C-T. GRCh37 (hg19) VCF-style: chr11-68193461-C-T.
Other names: c.1700C>T, p.Thr567Ile (NM_001291902.2); short protein forms T567I, T1148I.
Identifiers: ClinVar variation 938013 (VCV000938013.9), dbSNP rs771190332, ClinGen allele CA6150000.